The following is an entry in ClinVar:

NM_000257.4(MYH7):c.3151G>A (p.Ala1051Thr)

Gene: MYH7 (myosin heavy chain 7; minus strand). Cytogenetic location: 14q11.2.
Variant type: single nucleotide variant.
Coding change: c.3151G>A on transcript NM_000257.4 (MANE Select); coding-DNA position 3151, G replaced by A.
Protein change: p.Ala1051Thr; replaces alanine 1051 with threonine.
Molecular consequence: missense variant.
Genome position (GRCh38, 1-based): chr14:23,422,274, C>T on the plus strand (G>A on the coding strand, the complement: MYH7 is on the minus strand). VCF-style: chr14-23422274-C-T. GRCh37 (hg19) VCF-style: chr14-23891483-C-T.
Other names: c.3151G>A, p.Ala1051Thr (NM_001407004.1); short protein forms A1051T.
Identifiers: ClinVar variation 2773936 (VCV002773936.7), dbSNP rs1209381803, ClinGen allele CA389045369.

ClinVar aggregate classification (germline): Uncertain significance. Review status: criteria provided, multiple submitters, no conflicts (2 of 4 stars). 4 submissions from 4 submitters: Uncertain significance (4). Last evaluated 2025-06-05.

Conditions:
Cardiomyopathy (CMYO). Also called: Cardiomyopathies. Identifiers: Orphanet 167848, MedGen C0878544, MONDO:0004994, HP:0001638. Inheritance: Various modes of inheritance.
Hypertrophic cardiomyopathy. Also called: HYPERTROPHIC MYOCARDIOPATHY. Identifiers: Orphanet 217569, MedGen C0007194, MeSH D002312, MONDO:0005045, HP:0001639.

Allele frequency attached by ClinVar (database versions not stated): gnomAD exomes below 0.00001; TOPMed 0.00001.
gnomAD v4.1: 3 of 1,614,178 alleles (0.00019%); highest among the groups gnomAD compares: South Asian, 0.0033%; no homozygotes.

Submissions (4):

GeneDx
Classification: Uncertain significance. Last evaluated: 2025-06-05. Review status: criteria provided, single submitter. Criteria: GeneDx Variant Classification Process June 2021. Collection method: clinical testing. Allele origin: germline. Affected: yes.
Comment: Not observed at significant frequency in large population cohorts (gnomAD); In silico analysis suggests that this missense variant does not alter protein structure/function; Has not been previously published as pathogenic or benign to our knowledge

Color Diagnostics, LLC DBA Color Health
Classification: Uncertain significance for Cardiomyopathy. Last evaluated: 2024-03-06. Review status: criteria provided, single submitter. Criteria: ACMG Guidelines, 2015. Collection method: clinical testing. Allele origin: germline.
Comment: This missense variant replaces alanine with threonine at codon 1051 of the MYH7 protein. Computational prediction suggests that this variant may not impact protein structure and function (internally defined REVEL score threshold <= 0.5, PMID: 27666373). To our knowledge, functional studies have not been reported for this variant. This variant has not been reported in individuals affected with cardiovascular disorders in the literature. This variant has not been identified in the general population by the Genome Aggregation Database (gnomAD). The available evidence is insufficient to determine the role of this variant in disease conclusively. Therefore, this variant is classified as a Variant of Uncertain Significance.

Labcorp Genetics (formerly Invitae), Labcorp
Classification: Uncertain significance for Hypertrophic cardiomyopathy. Last evaluated: 2022-11-10. Review status: criteria provided, single submitter. Criteria: Invitae Variant Classification Sherloc (09022015). Collection method: clinical testing. Allele origin: germline.
Comment: This sequence change replaces alanine, which is neutral and non-polar, with threonine, which is neutral and polar, at codon 1051 of the MYH7 protein (p.Ala1051Thr). This variant is not present in population databases (gnomAD no frequency). This variant has not been reported in the literature in individuals affected with MYH7-related conditions. Advanced modeling of protein sequence and biophysical properties (such as structural, functional, and spatial information, amino acid conservation, physicochemical variation, residue mobility, and thermodynamic stability) performed at Invitae indicates that this missense variant is expected to disrupt MYH7 protein function. In summary, the available evidence is currently insufficient to determine the role of this variant in disease. Therefore, it has been classified as a Variant of Uncertain Significance.

Blueprint Genetics
Classification: Uncertain significance. Last evaluated: 2020-12-14. Review status: criteria provided, single submitter. Criteria: ACMG Guidelines, 2015. Collection method: clinical testing. Allele origin: germline.